The following is an entry in ClinVar:

NM_198253.3(TERT):c.1927A>G (p.Arg643Gly)

Gene: TERT (telomerase reverse transcriptase; minus strand). Cytogenetic location: 5p15.33.
Variant type: single nucleotide variant.
Coding change: c.1927A>G on transcript NM_198253.3 (MANE Select); coding-DNA position 1927, A replaced by G.
Protein change: p.Arg643Gly; replaces arginine 643 with glycine.
Molecular consequence: missense variant. On other transcripts: non-coding transcript variant (2).
Genome position (GRCh38, 1-based): chr5:1,280,181, T>C on the plus strand (A>G on the coding strand, the complement: TERT is on the minus strand). VCF-style: chr5-1280181-T-C. GRCh37 (hg19) VCF-style: chr5-1280296-T-C.
Other names: c.1927A>G, p.Arg643Gly (NM_001193376.3); short protein forms R643G.
Identifiers: ClinVar variation 1044233 (VCV001044233.9), dbSNP rs1749921453, ClinGen allele CA359081104.

ClinVar aggregate classification (germline): Uncertain significance (1 of 4 stars; one submission).

Conditions:
Dyskeratosis congenita, autosomal dominant 2. Identifiers: MedGen C3151443, MONDO:0013521, OMIM 613989.
Idiopathic Pulmonary Fibrosis. Also called: Idiopathic fibrosing alveolitis, chronic form; idiopathic fibrosing alveolitis. Identifiers: Orphanet 2032, MedGen C1800706, MeSH D054990, MONDO:0800504.

Submission:

Labcorp Genetics (formerly Invitae), Labcorp
Classification: Uncertain significance for Dyskeratosis congenita, autosomal dominant 2; Idiopathic Pulmonary Fibrosis. Last evaluated: 2020-08-02. Review status: criteria provided, single submitter. Criteria: Invitae Variant Classification Sherloc (09022015). Collection method: clinical testing. Allele origin: germline.
Comment: This variant is not present in population databases (ExAC no frequency). In summary, the available evidence is currently insufficient to determine the role of this variant in disease. Therefore, it has been classified as a Variant of Uncertain Significance. Algorithms developed to predict the effect of missense changes on protein structure and function output the following: SIFT: "Tolerated"; PolyPhen-2: "Benign"; Align-GVGD: "Class C0". The glycine amino acid residue is found in multiple mammalian species, suggesting that this missense change does not adversely affect protein function. These predictions have not been confirmed by published functional studies and their clinical significance is uncertain. This variant has not been reported in the literature in individuals with TERT-related conditions. This sequence change replaces arginine with glycine at codon 643 of the TERT protein (p.Arg643Gly). The arginine residue is weakly conserved and there is a moderate physicochemical difference between arginine and glycine.